The following is an entry in ClinVar:

ClinVar aggregate classification (germline): Uncertain significance. Review status: criteria provided, multiple submitters, no conflicts (2 of 4 stars). 2 submissions from 2 submitters: Uncertain significance (2). Last evaluated 2022-06-07.

Conditions:
Hereditary cancer-predisposing syndrome. Also called: Tumor predisposition; Neoplastic Syndromes, Hereditary; Hereditary neoplastic syndrome; Hereditary Cancer Syndrome. Identifiers: Orphanet 140162, MedGen C0027672, MeSH D009386, MONDO:0015356.
Ataxia-telangiectasia syndrome (AT). Also called: Ataxia-telangiectasia, complementation group D; AT, COMPLEMENTATION GROUP C; ATAXIA-TELANGIECTASIA, COMPLEMENTATION GROUP A; ATAXIA-TELANGIECTASIA, FRESNO VARIANT; Ataxia-telangiectasia; Ataxia telangiectasia (A-T). Identifiers: Orphanet 100, MedGen C0004135, MONDO:0008840, OMIM 208900.

Allele frequency attached by ClinVar (database versions not stated): TOPMed below 0.00001.

Submissions (2):

Ambry Genetics
Classification: Uncertain significance for Hereditary cancer-predisposing syndrome. Last evaluated: 2022-06-07. Review status: criteria provided, single submitter. Criteria: Ambry Variant Classification Scheme 2023. Collection method: clinical testing. Allele origin: germline.
Comment: The p.N2542S variant (also known as c.7625A>G), located in coding exon 50 of the ATM gene, results from an A to G substitution at nucleotide position 7625. The asparagine at codon 2542 is replaced by serine, an amino acid with highly similar properties. This amino acid position is conserved. In addition, this alteration is predicted to be tolerated by in silico analysis. Since supporting evidence is limited at this time, the clinical significance of this alteration remains unclear.

Labcorp Genetics (formerly Invitae), Labcorp
Classification: Uncertain significance for Ataxia-telangiectasia syndrome. Last evaluated: 2021-12-23. Review status: criteria provided, single submitter. Criteria: Invitae Variant Classification Sherloc (09022015). Collection method: clinical testing. Allele origin: germline.
Comment: This variant is not present in population databases (gnomAD no frequency). In summary, the available evidence is currently insufficient to determine the role of this variant in disease. Therefore, it has been classified as a Variant of Uncertain Significance. Advanced modeling of protein sequence and biophysical properties (such as structural, functional, and spatial information, amino acid conservation, physicochemical variation, residue mobility, and thermodynamic stability) performed at Invitae indicates that this missense variant is not expected to disrupt ATM protein function. ClinVar contains an entry for this variant (Variation ID: 960567). This variant has not been reported in the literature in individuals affected with ATM-related conditions. This sequence change replaces asparagine, which is neutral and polar, with serine, which is neutral and polar, at codon 2542 of the ATM protein (p.Asn2542Ser).

NM_000051.4(ATM):c.7625A>G (p.Asn2542Ser)

Genes: ATM (ATM serine/threonine kinase; plus strand), C11orf65 (chromosome 11 open reading frame 65; minus strand). Cytogenetic location: 11q22.3.
Variant type: single nucleotide variant.
Coding change: c.7625A>G on transcript NM_000051.4 (MANE Select); coding-DNA position 7625, A replaced by G.
Protein change: p.Asn2542Ser; replaces asparagine 2542 with serine.
Molecular consequence: missense variant. On other transcripts: non-coding transcript variant (1), intron variant (2).
Genome position (GRCh38, 1-based): chr11:108,331,553, A>G. VCF-style: chr11-108331553-A-G. GRCh37 (hg19) VCF-style: chr11-108202280-A-G.
Other names: c.7625A>G, p.Asn2542Ser (NM_001351834.2); c.641-22482T>C (NM_001330368.2); c.*38+3667T>C (NM_001351110.2); short protein forms N2542S.
Identifiers: ClinVar variation 960567 (VCV000960567.12), dbSNP rs2086236181, ClinGen allele CA382560864.